The following is an entry in ClinVar:

NM_013275.6(ANKRD11):c.5786G>A (p.Ser1929Asn)

Gene: ANKRD11 (ankyrin repeat domain 11; minus strand). Cytogenetic location: 16q24.3.
Variant type: single nucleotide variant.
Coding change: c.5786G>A on transcript NM_013275.6 (MANE Select); coding-DNA position 5786, G replaced by A.
Protein change: p.Ser1929Asn; replaces serine 1929 with asparagine.
Molecular consequence: missense variant.
Genome position (GRCh38, 1-based): chr16:89,280,756, C>T on the plus strand (G>A on the coding strand, the complement: ANKRD11 is on the minus strand). VCF-style: chr16-89280756-C-T. GRCh37 (hg19) VCF-style: chr16-89347164-C-T.
Other names: c.5786G>A, p.Ser1929Asn (NM_001256182.2, NM_001256183.2); short protein forms S1929N.
Identifiers: ClinVar variation 652886 (VCV000652886.7), dbSNP rs1191174024, ClinGen allele CA397152860.

ClinVar aggregate classification (germline): Uncertain significance (1 of 4 stars; one submission).

Conditions:
KBG syndrome (KBGS). Also called: ANKRD11-Related KBG Syndrome. Identifiers: Orphanet 2332, MedGen C0220687, MONDO:0007846, OMIM 148050.

Allele frequency attached by ClinVar (database versions not stated): gnomAD exomes below 0.00001; TOPMed 0.00001.
gnomAD v4.1: 2 of 1,613,266 alleles (0.00012%); highest among the groups gnomAD compares: Admixed American, 0.0033%; no homozygotes.

Submission:

Labcorp Genetics (formerly Invitae), Labcorp
Classification: Uncertain significance for KBG syndrome. Last evaluated: 2024-07-29. Review status: criteria provided, single submitter. Criteria: Invitae Variant Classification Sherloc (09022015). Collection method: clinical testing. Allele origin: germline.
Comment: This sequence change replaces serine, which is neutral and polar, with asparagine, which is neutral and polar, at codon 1929 of the ANKRD11 protein (p.Ser1929Asn). This variant is present in population databases (no rsID available, gnomAD 0.003%). This variant has not been reported in the literature in individuals affected with ANKRD11-related conditions. ClinVar contains an entry for this variant (Variation ID: 652886). Advanced modeling of protein sequence and biophysical properties (such as structural, functional, and spatial information, amino acid conservation, physicochemical variation, residue mobility, and thermodynamic stability) performed at Invitae indicates that this missense variant is not expected to disrupt ANKRD11 protein function with a negative predictive value of 95%. In summary, the available evidence is currently insufficient to determine the role of this variant in disease. Therefore, it has been classified as a Variant of Uncertain Significance.